The following is an entry in ClinVar:

ClinVar aggregate classification (germline): Benign/Likely benign. Review status: criteria provided, multiple submitters, no conflicts (2 of 4 stars). 5 submissions from 5 submitters: Benign (3); Likely benign (1). 1 of the submissions does not count toward it. Last evaluated 2026-01-06.

Conditions:
AHDC1-related disorder. Also called: AHDC1-related condition.
AHDC1-related intellectual disability - obstructive sleep apnea - mild dysmorphism syndrome. Also called: Xia-Gibbs syndrome. Identifiers: Orphanet 412069, MedGen C4014419, MONDO:0014358, OMIM 615829.

Allele frequency attached by ClinVar (database versions not stated): TOPMed 0.00009; 1000 Genomes Project 0.00020; 1000 Genomes Project 30x 0.00031.
gnomAD v4.1: 209 of 1,548,982 alleles (0.013%); highest among the groups gnomAD compares: South Asian, 0.1%; 1 homozygote.

Submissions (5):

Labcorp Genetics (formerly Invitae), Labcorp
Classification: Benign. Last evaluated: 2026-01-06. Review status: criteria provided, single submitter. Criteria: Invitae Variant Classification Sherloc (09022015). Collection method: clinical testing. Allele origin: germline.

CeGaT Center for Human Genetics Tuebingen
Classification: Likely benign. Last evaluated: 2024-08-01. Review status: criteria provided, single submitter. Criteria: CeGaT Center For Human Genetics Tuebingen Variant Classification Criteria Version 2. Collection method: clinical testing. Allele origin: germline. Affected: yes. Observed: 1 variant allele.
Comment: AHDC1: BP4, BS1

Genome-Nilou Lab
Classification: Benign for AHDC1-related intellectual disability - obstructive sleep apnea - mild dysmorphism syndrome. Last evaluated: 2021-12-05. Review status: criteria provided, single submitter. Criteria: ACMG Guidelines, 2015. Collection method: clinical testing. Allele origin: germline. Affected: no.

GeneDx
Classification: Benign. Last evaluated: 2020-01-30. Review status: criteria provided, single submitter. Criteria: GeneDx Variant Classification Process June 2021. Collection method: clinical testing. Allele origin: germline. Affected: yes.

PreventionGenetics, part of Exact Sciences
Classification: Likely benign for AHDC1-related condition. Last evaluated: 2022-08-10. Review status: no assertion criteria provided. Collection method: clinical testing. Allele origin: germline. Not counted in ClinVar's aggregate classification.
Comment: This variant is classified as likely benign based on ACMG/AMP sequence variant interpretation guidelines (Richards et al. 2015 PMID: 25741868, with internal and published modifications).

NM_001371928.1(AHDC1):c.4254G>A (p.Lys1418=)

Gene: AHDC1 (AT-hook DNA binding motif containing 1; minus strand). Cytogenetic location: 1p36.11.
Variant type: single nucleotide variant.
Coding change: c.4254G>A on transcript NM_001371928.1 (MANE Select); coding-DNA position 4254, G replaced by A.
Protein change: p.Lys1418=; no amino-acid change (lysine 1418 retained).
Molecular consequence: synonymous variant.
Genome position (GRCh38, 1-based): chr1:27,547,862, C>T on the plus strand (G>A on the coding strand, the complement: AHDC1 is on the minus strand). VCF-style: chr1-27547862-C-T. GRCh37 (hg19) VCF-style: chr1-27874373-C-T.
Other names: c.4254G>A, p.Lys1418= (NM_001029882.3).
Identifiers: ClinVar variation 1233119 (VCV001233119.29), dbSNP rs547570973, ClinGen allele CA715399.